The following is an entry in ClinVar:

ClinVar aggregate classification (germline): Uncertain significance (1 of 4 stars; one submission).

Conditions:
Congenital myasthenic syndrome 12 (CMS12). Also called: MYASTHENIC SYNDROME, CONGENITAL, WITH TUBULAR AGGREGATES 1; Myasthenia, congenital, 12, with tubular aggregates. Identifiers: Orphanet 353327, Orphanet 590, MedGen C3552335, MONDO:0012518, OMIM 610542.

Submission:

Kariminejad - Najmabadi Pathology & Genetics Center
Classification: Uncertain significance for Congenital myasthenic syndrome 12. Last evaluated: 2022-07-28. Review status: criteria provided, single submitter. Criteria: ACMG Guidelines, 2015. Collection method: clinical testing. Allele origin: germline. Inheritance: Autosomal recessive inheritance. Affected: yes.
Comment: PM2 PP3

NM_001244710.2(GFPT1):c.376A>T (p.Ile126Phe)

Gene: GFPT1 (glutamine--fructose-6-phosphate transaminase 1; minus strand). Cytogenetic location: 2p13.3.
Variant type: single nucleotide variant.
Coding change: c.376A>T on transcript NM_001244710.2 (MANE Select); coding-DNA position 376, A replaced by T.
Protein change: p.Ile126Phe; replaces isoleucine 126 with phenylalanine.
Molecular consequence: missense variant.
Genome position (GRCh38, 1-based): chr2:69,359,300, T>A on the plus strand (A>T on the coding strand, the complement: GFPT1 is on the minus strand). VCF-style: chr2-69359300-T-A. GRCh37 (hg19) VCF-style: chr2-69586432-T-A.
Other names: c.376A>T, p.Ile126Phe (NM_002056.4); short protein forms I126F.
Identifiers: ClinVar variation 3896877 (VCV003896877.1).